The following is an entry in ClinVar:

ClinVar aggregate classification (germline): Pathogenic. Review status: criteria provided, multiple submitters, no conflicts (2 of 4 stars). 2 submissions from 2 submitters: Pathogenic (2). Last evaluated 2024-02-13.

Conditions:
Multiple acyl-CoA dehydrogenase deficiency (MADD). Also called: ETHYLMALONIC-ADIPICACIDURIA; GA II; Glutaric Acidemia type 2; Glutaric acidemia type II; GA 2; Glutaric aciduria, type 2. Identifiers: Orphanet 26791, MedGen C0268596, MONDO:0009282, OMIM 231680.

Allele frequency attached by ClinVar (database versions not stated): gnomAD exomes below 0.00001.

Submissions (2):

Baylor Genetics
Classification: Pathogenic for Multiple acyl-CoA dehydrogenase deficiency. Last evaluated: 2024-02-13. Review status: criteria provided, single submitter. Criteria: ACMG Guidelines, 2015. Collection method: clinical testing. Allele origin: unknown.

Labcorp Genetics (formerly Invitae), Labcorp
Classification: Pathogenic for Multiple acyl-CoA dehydrogenase deficiency. Last evaluated: 2020-04-20. Review status: criteria provided, single submitter. Criteria: Invitae Variant Classification Sherloc (09022015). Collection method: clinical testing. Allele origin: germline.
Comment: This sequence change creates a premature translational stop signal (p.Asp541Glufs*6) in the ETFDH gene. It is expected to result in an absent or disrupted protein product. This variant is not present in population databases (ExAC no frequency). This variant has been observed in individual(s) with ETFDH-related disease (PMID: 12359134). Loss-of-function variants in ETFDH are known to be pathogenic (PMID: 16510302, 23785301). For these reasons, this variant has been classified as Pathogenic.

Literature cited by the submitters: PubMed 12359134 (cited by Labcorp Genetics (formerly Invitae), Labcorp); PubMed 16510302 (cited by Labcorp Genetics (formerly Invitae), Labcorp); PubMed 23785301 (cited by Labcorp Genetics (formerly Invitae), Labcorp).

NM_004453.4(ETFDH):c.1623del (p.Asp541fs)

Gene: ETFDH (electron transfer flavoprotein dehydrogenase; plus strand). Cytogenetic location: 4q32.1.
Variant type: Deletion.
Coding change: c.1623del on transcript NM_004453.4 (MANE Select); coding-DNA position 1623, one base deleted (T; older notation c.1623delT).
Protein change: p.Asp541fs; shifts the reading frame from aspartic acid 541.
Molecular consequence: frameshift variant.
Genome position (GRCh38, 1-based): chr4:158,706,783, T deleted. VCF-style (leftmost placement, unchanged base first): chr4-158706782-AT-A. GRCh37 (hg19) VCF-style: chr4-159627934-AT-A.
Other names: c.1482del, p.Asp494fs (NM_001281737.2); c.1440del, p.Asp480fs (NM_001281738.1); short protein forms D480fs, D494fs, D541fs.
Identifiers: ClinVar variation 1073008 (VCV001073008.10), dbSNP rs2126316669, ClinGen allele CA2499217147.